The following is an entry in ClinVar:

NM_006231.4(POLE):c.175A>T (p.Lys59Ter)

Gene: POLE (DNA polymerase epsilon, catalytic subunit; minus strand). Cytogenetic location: 12q24.33.
Variant type: single nucleotide variant.
Coding change: c.175A>T on transcript NM_006231.4 (MANE Select); coding-DNA position 175, A replaced by T.
Protein change: p.Lys59Ter; replaces lysine 59 with a stop codon.
Molecular consequence: nonsense.
Genome position (GRCh38, 1-based): chr12:132,681,167, T>A on the plus strand (A>T on the coding strand, the complement: POLE is on the minus strand). VCF-style: chr12-132681167-T-A. GRCh37 (hg19) VCF-style: chr12-133257753-T-A.
Other names: short protein forms K59*.
Identifiers: ClinVar variation 4717381 (VCV004717381.1).

ClinVar aggregate classification (germline): Pathogenic (1 of 4 stars; one submission).

Submission:

Labcorp Genetics (formerly Invitae), Labcorp
Classification: Pathogenic. Last evaluated: 2025-04-13. Review status: criteria provided, single submitter. Criteria: Invitae Variant Classification Sherloc (09022015). Collection method: clinical testing. Allele origin: germline.
Comment: This sequence change creates a premature translational stop signal (p.Lys59*) in the POLE gene. It is expected to result in an absent or disrupted protein product. Loss-of-function variants in POLE are known to be pathogenic (PMID: 23230001, 25948378, 30503519). This variant is not present in population databases (gnomAD no frequency). This variant has not been reported in the literature in individuals affected with POLE-related conditions. Algorithms developed to predict the effect of sequence changes on RNA splicing suggest that this variant may disrupt the consensus splice site. For these reasons, this variant has been classified as Pathogenic.

Literature cited by the submitters: PubMed 23230001; PubMed 25948378; PubMed 30503519.